The following is an entry in ClinVar:

ClinVar aggregate classification (germline): Likely benign (1 of 4 stars; one submission).

Submission:

GeneDx
Classification: Likely benign. Last evaluated: 2016-06-15. Review status: criteria provided, single submitter. Criteria: GeneDx Variant Classification (06012015). Collection method: clinical testing. Allele origin: germline. Affected: yes.
Comment: This variant is considered likely benign or benign based on one or more of the following criteria: it is a conservative change, it occurs at a poorly conserved position in the protein, it is predicted to be benign by multiple in silico algorithms, and/or has population frequency not consistent with disease.

NM_004360.5(CDH1):c.49-7A>G

Gene: CDH1 (cadherin 1; plus strand). Cytogenetic location: 16q22.1.
Variant type: single nucleotide variant.
Coding change: c.49-7A>G on transcript NM_004360.5 (MANE Select); 7 bases into the intron before coding-DNA position 49, A replaced by G.
Molecular consequence: intron variant.
Genome position (GRCh38, 1-based): chr16:68,738,290, A>G. VCF-style: chr16-68738290-A-G. GRCh37 (hg19) VCF-style: chr16-68772193-A-G.
Other names: c.49-7A>G (LRG_301t1, NM_001317184.2); c.-1567-7A>G (NM_001317185.2); c.-1771-7A>G (NM_001317186.2).
Identifiers: ClinVar variation 387016 (VCV000387016.1), dbSNP rs1057522665, ClinGen allele CA16607045.